The following is an entry in ClinVar:

ClinVar aggregate classification (germline): Uncertain significance (1 of 4 stars; one submission).

Conditions:
USP9X-related disorder. Also called: USP9X-related condition.

Submissions (2):

PreventionGenetics, part of Exact Sciences
Classification: Uncertain significance for USP9X-related condition. Last evaluated: 2023-08-24. Review status: criteria provided, single submitter. Criteria: ACMG Guidelines, 2015. Collection method: clinical testing. Allele origin: germline.
Comment: The USP9X c.6303C>A variant is not predicted to result in an amino acid change (p.=). This variant is predicted to alter splicing based on available splicing in silico algorithms. To our knowledge, this variant has not been reported in the literature or in a large population database, indicating this variant is rare. At this time, the clinical significance of this variant is uncertain due to the absence of conclusive functional and genetic evidence.

Dr. Peter K. Rogan Lab, Western University
No classification provided (evidence only). Condition: Thyroid cancer, nonmedullary, 1. Review status: no classification provided. Collection method: in vitro. Allele origin: not applicable. Functional consequence: retained intron. Not counted in ClinVar's aggregate classification.

NM_001039591.3(USP9X):c.6303C>A (p.Ser2101=)

Gene: USP9X (ubiquitin specific peptidase 9 X-linked; plus strand). Cytogenetic location: Xp11.4.
Variant type: single nucleotide variant.
Coding change: c.6303C>A on transcript NM_001039591.3 (MANE Select); coding-DNA position 6303, C replaced by A.
Protein change: p.Ser2101=; no amino-acid change (serine 2101 retained).
Molecular consequence: synonymous variant.
Genome position (GRCh38, 1-based): chrX:41,218,465, C>A. VCF-style: chrX-41218465-C-A. GRCh37 (hg19) VCF-style: chrX-41077718-C-A.
Other names: NC_000023.10:g.41077718C>A; c.6303C>A, p.Ser2101= (NM_001039590.3); c.6318C>A, p.Ser2106= (NM_001410748.1, NM_001410749.1).
Identifiers: ClinVar variation 2631743 (VCV002631743.2), dbSNP rs768983130, ClinGen allele CA515976971.
Genomic context (GRCh38, chrX:41,218,465, plus strand): 5'-CAAGAATGTACGTTTTTGGTTTGCTCATAACGTCCTTTTTAATGTTTCAAATCGCTTCTC[C>A]GAATACCTTCTGGAGTGCCCTAGTGCAGAAGTGAGGGGTGCGTTTGCAAAACTTATAGTC-3'
Protein context (NP_001034680.2, residues 2091-2111): NVLFNVSNRF[Ser2101=]EYLLECPSAE